The following is an entry in ClinVar:

ClinVar aggregate classification (germline): Likely benign. Review status: criteria provided, single submitter (1 of 4 stars). 2 submissions from 2 submitters: Likely benign (1). 1 of the submissions does not count toward it. Last evaluated 2024-09-20.

Conditions:
ARHGAP29-related disorder. Also called: ARHGAP29-related condition; ARHGAP29-Related Disorders.

Allele frequency attached by ClinVar (database versions not stated): ESP Exome Variant Server 0.00015; gnomAD exomes 0.00019; gnomAD 0.00036; TOPMed 0.00036; ExAC 0.00063; 1000 Genomes Project 30x 0.00234; 1000 Genomes Project 0.00240.
gnomAD v4.1: 354 of 1,611,370 alleles (0.022%); highest among the groups gnomAD compares: East Asian, 0.42%; 1 homozygote.

Submissions (2):

Blueprint Genetics
Classification: Likely benign. Last evaluated: 2024-09-20. Review status: criteria provided, single submitter. Criteria: ACMG Guidelines, 2015. Collection method: clinical testing. Allele origin: germline.

PreventionGenetics, part of Exact Sciences
Classification: Benign for ARHGAP29-related condition. Last evaluated: 2019-10-07. Review status: no assertion criteria provided. Collection method: clinical testing. Allele origin: germline. Not counted in ClinVar's aggregate classification.
Comment: This variant is classified as benign based on ACMG/AMP sequence variant interpretation guidelines (Richards et al. 2015 PMID: 25741868, with internal and published modifications).

NM_004815.4(ARHGAP29):c.251G>A (p.Arg84His)

Gene: ARHGAP29 (Rho GTPase activating protein 29; minus strand). Cytogenetic location: 1p22.1.
Variant type: single nucleotide variant.
Coding change: c.251G>A on transcript NM_004815.4 (MANE Select); coding-DNA position 251, G replaced by A.
Protein change: p.Arg84His; replaces arginine 84 with histidine.
Molecular consequence: missense variant.
Genome position (GRCh38, 1-based): chr1:94,220,347, C>T on the plus strand (G>A on the coding strand, the complement: ARHGAP29 is on the minus strand). VCF-style: chr1-94220347-C-T. GRCh37 (hg19) VCF-style: chr1-94685903-C-T.
Other names: c.251G>A, p.Arg84His (NM_001328664.2, NM_001328666.2); c.59G>A, p.Arg20His (NM_001328665.2, NM_001328667.2); short protein forms R20H, R84H.
Identifiers: ClinVar variation 3035561 (VCV003035561.3), dbSNP rs183410431, ClinGen allele CA959871.